The following is an entry in ClinVar:

ClinVar aggregate classification (germline): Uncertain significance. Review status: criteria provided, multiple submitters, no conflicts (2 of 4 stars). 3 submissions from 3 submitters: Uncertain significance (3). Last evaluated 2026-01-12.

Conditions:
Pulmonary fibrosis and/or bone marrow failure, Telomere-related, 4. Also called: PULMONARY FIBROSIS AND/OR BONE MARROW FAILURE SYNDROME, TELOMERE-RELATED, 4. Identifiers: Orphanet 2032, MedGen C4225347, MONDO:0014612, OMIM 616371.
Dyskeratosis congenita, autosomal recessive 6 (DKCB6). Identifiers: MedGen C4225356, MONDO:0014600, OMIM 616353.
PARN-related disorder. Also called: PARN-related condition; PARN-related disorders.

Allele frequency attached by ClinVar (database versions not stated): gnomAD 0.00001.

Submissions (3):

PreventionGenetics, part of Exact Sciences
Classification: Uncertain significance for PARN-related condition. Last evaluated: 2026-01-12. Review status: criteria provided, single submitter. Criteria: ACMG Guidelines, 2015. Collection method: clinical testing. Allele origin: germline.
Comment: The PARN c.244_245+6dup8 variant is predicted to result in an intronic duplication. To our knowledge, this variant has not been reported in the literature or in a large population database (gnomAD), indicating this variant is rare. At this time, the clinical significance of this variant is uncertain due to the absence of conclusive functional and genetic evidence.

Labcorp Genetics (formerly Invitae), Labcorp
Classification: Uncertain significance for Dyskeratosis congenita, autosomal recessive 6; Pulmonary fibrosis and/or bone marrow failure, Telomere-related, 4. Last evaluated: 2025-07-07. Review status: criteria provided, single submitter. Criteria: Invitae Variant Classification Sherloc (09022015). Collection method: clinical testing. Allele origin: germline.
Comment: This sequence change falls in intron 4 of the PARN gene. It does not directly change the encoded amino acid sequence of the PARN protein. It affects a nucleotide within the consensus splice site. This variant is not present in population databases (gnomAD no frequency). This variant has not been reported in the literature in individuals affected with PARN-related conditions. ClinVar contains an entry for this variant (Variation ID: 955991). Variants that disrupt the consensus splice site are a relatively common cause of aberrant splicing (PMID: 17576681, 9536098). In summary, the available evidence is currently insufficient to determine the role of this variant in disease. Therefore, it has been classified as a Variant of Uncertain Significance.

Blueprint Genetics
Classification: Uncertain significance. Last evaluated: 2020-11-24. Review status: criteria provided, single submitter. Criteria: ACMG Guidelines, 2015. Collection method: clinical testing. Allele origin: germline.

Literature cited by the submitters: PubMed 17576681 (cited by Labcorp Genetics (formerly Invitae), Labcorp); PubMed 9536098 (cited by Labcorp Genetics (formerly Invitae), Labcorp).

NM_002582.4(PARN):c.244_245+6dup

Gene: PARN (poly(A)-specific ribonuclease; minus strand). Cytogenetic location: 16p13.12.
Variant type: Duplication.
Coding change: c.244_245+6dup on transcript NM_002582.4 (MANE Select); coding-DNA position 244 through 6 bases into the intron after coding-DNA position 245, 8 bases duplicated (AAGTAGGT; older notation c.244_245+6dupAAGTAGGT).
Molecular consequence: splice donor variant. On other transcripts: intron variant (1).
Genome position (GRCh38, 1-based): chr16:14,627,263-14,627,270, ACCTACTT duplicated on the plus strand (AAGTAGGT on the coding strand, the reverse complement: PARN is on the minus strand). VCF-style (leftmost placement, unchanged base first): chr16-14627262-A-AACCTACTT. GRCh37 (hg19) VCF-style: chr16-14721119-A-AACCTACTT.
Other names: c.61_62+6dup (NM_001134477.3); c.159-134_159-127dup (NM_001242992.2); c.244_245+6dup8 (NM_002582.3).
Identifiers: ClinVar variation 955991 (VCV000955991.12), dbSNP rs1481415822, ClinGen allele CA718388583.
Genomic context (GRCh38, chr16:14,627,262, plus strand): 5'-AAGGAGACTTAGGAGGTGACATTGTGCCACAAAAACGGAATTCCCAACGTTTGTTAACAC[A>AACCTACTT]ACCTACTTTGAATCTGTGTAGTCATACTTAAAAGTGCAAAGGCCAAACTGAAATAGCAAA-3'